The following is an entry in ClinVar:

NM_000051.4(ATM):c.8576C>T (p.Ser2859Phe)

Genes: ATM (ATM serine/threonine kinase; plus strand), C11orf65 (chromosome 11 open reading frame 65; minus strand). Cytogenetic location: 11q22.3.
Variant type: single nucleotide variant.
Coding change: c.8576C>T on transcript NM_000051.4 (MANE Select); coding-DNA position 8576, C replaced by T.
Protein change: p.Ser2859Phe; replaces serine 2859 with phenylalanine.
Molecular consequence: missense variant. On other transcripts: intron variant (2).
Genome position (GRCh38, 1-based): chr11:108,345,900, C>T. VCF-style: chr11-108345900-C-T. GRCh37 (hg19) VCF-style: chr11-108216627-C-T.
Other names: c.8576C>T, p.Ser2859Phe (NM_001351834.2); c.641-36829G>A (NM_001330368.2); c.695-10608G>A (NM_001351110.2); short protein forms S2859F.
Identifiers: ClinVar variation 479097 (VCV000479097.14), dbSNP rs786203542, ClinGen allele CA382518749.

ClinVar aggregate classification (germline): Uncertain significance. Review status: criteria provided, multiple submitters, no conflicts (2 of 4 stars). 3 submissions from 3 submitters: Uncertain significance (3). Last evaluated 2022-07-15.

Conditions:
Hereditary cancer-predisposing syndrome. Also called: Neoplastic Syndromes, Hereditary; Hereditary Cancer Syndrome; Tumor predisposition; Hereditary neoplastic syndrome. Identifiers: Orphanet 140162, MedGen C0027672, MeSH D009386, MONDO:0015356.
Ataxia-telangiectasia syndrome (AT). Also called: LOUIS-BAR SYNDROME; Cerebello-oculocutaneous telangiectasia; Immunodeficiency with ataxia telangiectasia; Ataxia-telangiectasia, complementation group D; AT, COMPLEMENTATION GROUP C; Ataxia-telangiectasia, complementation group E. Identifiers: Orphanet 100, MedGen C0004135, MONDO:0008840, OMIM 208900.

Allele frequency attached by ClinVar (database versions not stated): gnomAD 0.00001.

Submissions (3):

Labcorp Genetics (formerly Invitae), Labcorp
Classification: Uncertain significance for Ataxia-telangiectasia syndrome. Last evaluated: 2022-07-15. Review status: criteria provided, single submitter. Criteria: Invitae Variant Classification Sherloc (09022015). Collection method: clinical testing. Allele origin: germline.
Comment: This sequence change replaces serine, which is neutral and polar, with phenylalanine, which is neutral and non-polar, at codon 2859 of the ATM protein (p.Ser2859Phe). The frequency data for this variant in the population databases is considered unreliable, as metrics indicate poor data quality at this position in the gnomAD database. This variant has not been reported in the literature in individuals affected with ATM-related conditions. ClinVar contains an entry for this variant (Variation ID: 479097). Advanced modeling of protein sequence and biophysical properties (such as structural, functional, and spatial information, amino acid conservation, physicochemical variation, residue mobility, and thermodynamic stability) performed at Invitae indicates that this missense variant is expected to disrupt ATM protein function. In summary, the available evidence is currently insufficient to determine the role of this variant in disease. Therefore, it has been classified as a Variant of Uncertain Significance.

Ambry Genetics
Classification: Uncertain significance for Hereditary cancer-predisposing syndrome. Last evaluated: 2022-03-29. Review status: criteria provided, single submitter. Criteria: Ambry Variant Classification Scheme 2023. Collection method: clinical testing. Allele origin: germline.
Comment: The p.S2859F variant (also known as c.8576C>T), located in coding exon 57 of the ATM gene, results from a C to T substitution at nucleotide position 8576. The serine at codon 2859 is replaced by phenylalanine, an amino acid with highly dissimilar properties. This amino acid position is highly conserved in available vertebrate species. In addition, this alteration is predicted to be deleterious by in silico analysis. Since supporting evidence is limited at this time, the clinical significance of this alteration remains unclear.

Mendelics
Classification: Uncertain significance for Ataxia-telangiectasia syndrome. Last evaluated: 2018-07-02. Review status: criteria provided, single submitter. Criteria: Mendelics Assertion Criteria 2017. Collection method: clinical testing. Allele origin: unknown.